The following is an entry in ClinVar:

NM_004380.3(CREBBP):c.4910T>C (p.Leu1637Pro)

Gene: CREBBP (CREB binding lysine acetyltransferase; minus strand). Cytogenetic location: 16p13.3.
Variant type: single nucleotide variant.
Coding change: c.4910T>C on transcript NM_004380.3 (MANE Select); coding-DNA position 4910, T replaced by C.
Protein change: p.Leu1637Pro; replaces leucine 1637 with proline.
Molecular consequence: missense variant.
Genome position (GRCh38, 1-based): chr16:3,731,454, A>G on the plus strand (T>C on the coding strand, the complement: CREBBP is on the minus strand). VCF-style: chr16-3731454-A-G. GRCh37 (hg19) VCF-style: chr16-3781455-A-G.
Other names: c.4796T>C, p.Leu1599Pro (NM_001079846.1); short protein forms L1637P, L1599P.
Identifiers: ClinVar variation 2166579 (VCV002166579.4), dbSNP rs2151317566, ClinGen allele CA394559077.

ClinVar aggregate classification (germline): Uncertain significance (1 of 4 stars; one submission).

Conditions:
Rubinstein-Taybi syndrome (RSTS). Identifiers: Orphanet 783, MedGen C0035934, MONDO:0019188.

Submission:

Labcorp Genetics (formerly Invitae), Labcorp
Classification: Uncertain significance for Rubinstein-Taybi syndrome. Last evaluated: 2023-01-02. Review status: criteria provided, single submitter. Criteria: Invitae Variant Classification Sherloc (09022015). Collection method: clinical testing. Allele origin: germline.
Comment: This sequence change replaces leucine, which is neutral and non-polar, with proline, which is neutral and non-polar, at codon 1637 of the CREBBP protein (p.Leu1637Pro). In summary, the available evidence is currently insufficient to determine the role of this variant in disease. Therefore, it has been classified as a Variant of Uncertain Significance. Advanced modeling of protein sequence and biophysical properties (such as structural, functional, and spatial information, amino acid conservation, physicochemical variation, residue mobility, and thermodynamic stability) performed at Invitae indicates that this missense variant is expected to disrupt CREBBP protein function. This variant has not been reported in the literature in individuals affected with CREBBP-related conditions. This variant is not present in population databases (gnomAD no frequency).